The following is an entry in ClinVar:

ClinVar aggregate classification (germline): Uncertain significance. Review status: criteria provided, multiple submitters, no conflicts (2 of 4 stars). 5 submissions from 5 submitters: Uncertain significance (5). Last evaluated 2026-06-15.

Conditions:
Cardiovascular phenotype. Identifiers: MedGen CN230736.
Brugada syndrome. Also called: Sudden unexpected nocturnal death syndrome; Sudden unexplained nocturnal death syndrome; Sudden Unexplained Death Syndrome; Sudden Unexplained Nocturnal Death Syndrome (SUNDS). Identifiers: Orphanet 130, MedGen C1142166, MONDO:0015263.
SCN10A-related disorder. Also called: SCN10A-related condition.
Episodic pain syndrome, familial, 2 (FEPS2). Identifiers: Orphanet 306577, MedGen C3809893, MONDO:0014246, OMIM 615551.

Allele frequency attached by ClinVar (database versions not stated): ExAC 0.00002; TOPMed 0.00002; gnomAD 0.00003 and 0.00004; gnomAD exomes 0.00004 and 0.00007; ESP Exome Variant Server 0.00008.
gnomAD v4.1: 112 of 1,613,494 alleles (0.0069%); highest among the groups gnomAD compares: Non-Finnish European, 0.0086%; no homozygotes.

Submissions (5):

PreventionGenetics, part of Exact Sciences
Classification: Uncertain significance for SCN10A-related condition. Last evaluated: 2026-06-15. Review status: criteria provided, single submitter. Criteria: ACMG Guidelines, 2015. Collection method: clinical testing. Allele origin: germline.
Comment: The SCN10A c.1051C>T variant is predicted to result in the amino acid substitution p.Arg351Cys. To our knowledge, this variant has not been reported in the literature. This variant is reported in 0.0062% of alleles in individuals of European (Non-Finnish) descent in gnomAD. At this time, the clinical significance of this variant is uncertain due to the absence of conclusive functional and genetic evidence.

Ambry Genetics
Classification: Uncertain significance for Cardiovascular phenotype. Last evaluated: 2025-01-27. Review status: criteria provided, single submitter. Criteria: Ambry Variant Classification Scheme 2023. Collection method: clinical testing. Allele origin: germline.
Comment: The p.R351C variant (also known as c.1051C>T), located in coding exon 8 of the SCN10A gene, results from a C to T substitution at nucleotide position 1051. The arginine at codon 351 is replaced by cysteine, an amino acid with highly dissimilar properties. This amino acid position is highly conserved in available vertebrate species. In addition, this alteration is predicted to be deleterious by in silico analysis. Since supporting evidence is limited at this time, the clinical significance of this alteration remains unclear.

Labcorp Genetics (formerly Invitae), Labcorp
Classification: Uncertain significance for Brugada syndrome. Last evaluated: 2022-08-09. Review status: criteria provided, single submitter. Criteria: Invitae Variant Classification Sherloc (09022015). Collection method: clinical testing. Allele origin: germline.
Comment: This sequence change replaces arginine, which is basic and polar, with cysteine, which is neutral and slightly polar, at codon 351 of the SCN10A protein (p.Arg351Cys). This variant is present in population databases (rs370603046, gnomAD 0.01%). This variant has not been reported in the literature in individuals affected with SCN10A-related conditions. ClinVar contains an entry for this variant (Variation ID: 848722). Advanced modeling of protein sequence and biophysical properties (such as structural, functional, and spatial information, amino acid conservation, physicochemical variation, residue mobility, and thermodynamic stability) performed at Invitae indicates that this missense variant is expected to disrupt SCN10A protein function. In summary, the available evidence is currently insufficient to determine the role of this variant in disease. Therefore, it has been classified as a Variant of Uncertain Significance.

Fulgent Genetics
Classification: Uncertain significance for Episodic pain syndrome, familial, 2. Last evaluated: 2021-09-06. Review status: criteria provided, single submitter. Criteria: ACMG Guidelines, 2015. Collection method: clinical testing. Allele origin: unknown.

GeneDx
Classification: Uncertain significance. Last evaluated: 2021-03-30. Review status: criteria provided, single submitter. Criteria: GeneDx Variant Classification Process June 2021. Collection method: clinical testing. Allele origin: germline. Affected: yes.
Comment: Has not been previously published as pathogenic or benign to our knowledge; Reported in ClinVar as a variant of uncertain significance (ClinVar Variant ID# 848722; Landrum et al., 2016); In silico analysis, which includes protein predictors and evolutionary conservation, supports a deleterious effect

NM_006514.4(SCN10A):c.1051C>T (p.Arg351Cys)

Gene: SCN10A (sodium voltage-gated channel alpha subunit 10; minus strand). Cytogenetic location: 3p22.2.
Variant type: single nucleotide variant.
Coding change: c.1051C>T on transcript NM_006514.4 (MANE Select); coding-DNA position 1051, C replaced by T.
Protein change: p.Arg351Cys; replaces arginine 351 with cysteine.
Molecular consequence: missense variant.
Genome position (GRCh38, 1-based): chr3:38,757,059, G>A on the plus strand (C>T on the coding strand, the complement: SCN10A is on the minus strand). VCF-style: chr3-38757059-G-A. GRCh37 (hg19) VCF-style: chr3-38798550-G-A.
Other names: c.1051C>T, p.Arg351Cys (NM_001293306.2, NM_001293307.2); short protein forms R351C.
Identifiers: ClinVar variation 848722 (VCV000848722.12), dbSNP rs370603046, ClinGen allele CA2320990.
Genomic context (GRCh38, chr3:38,757,059, plus strand): 5'-GGGGAATGCAGCTCAGTACCTGCTGGTAGAGGCGTTCCCAGGAATCCTGTGTCATGAGGC[G>A]GAACAGTGAGAGGAAAGCCCAAGCAAAGGAATCAAAGCTGGTGTAGTTAAAATCCGGGTT-3'
Protein context (NP_006505.4, residues 341-361): SFAWAFLSLF[Arg351Cys]LMTQDSWERL